The following is an entry in ClinVar:

NM_001378454.1(ALMS1):c.1238-20A>G

Gene: ALMS1 (ALMS1 centrosome and basal body associated protein; plus strand). Cytogenetic location: 2p13.1.
Variant type: single nucleotide variant.
Coding change: c.1238-20A>G on transcript NM_001378454.1 (MANE Select); 20 bases into the intron before coding-DNA position 1238, A replaced by G.
Molecular consequence: intron variant.
Genome position (GRCh38, 1-based): chr2:73,426,433, A>G. VCF-style: chr2-73426433-A-G. GRCh37 (hg19) VCF-style: chr2-73653561-A-G.
Other names: c.1241-20A>G (NM_015120.4); c.1238-20A>G (NM_015120.4).
Identifiers: ClinVar variation 550071 (VCV000550071.4), dbSNP rs771811655, ClinGen allele CA1713093.

ClinVar aggregate classification (germline): Uncertain significance. Review status: criteria provided, single submitter (1 of 4 stars). 2 submissions from 2 submitters: Uncertain significance (1). 1 of the submissions does not count toward it. Last evaluated 2022-06-03.

Conditions:
Alstrom syndrome (ALMS). Identifiers: Orphanet 64, MedGen C0268425, MONDO:0008763, OMIM 203800.

Allele frequency attached by ClinVar (database versions not stated): gnomAD exomes below 0.00001 and 0.00003; ExAC 0.00002; gnomAD 0.00002; TOPMed 0.00002.
gnomAD v4.1: 8 of 1,612,914 alleles (0.0005%); highest among the groups gnomAD compares: East Asian, 0.013%; no homozygotes.

Submissions (2):

Labcorp Genetics (formerly Invitae), Labcorp
Classification: Uncertain significance for Alstrom syndrome. Last evaluated: 2022-06-03. Review status: criteria provided, single submitter. Criteria: Invitae Variant Classification Sherloc (09022015). Collection method: clinical testing. Allele origin: germline.
Comment: This sequence change falls in intron 5 of the ALMS1 gene. It does not directly change the encoded amino acid sequence of the ALMS1 protein. This variant is present in population databases (rs771811655, gnomAD 0.05%). This variant has not been reported in the literature in individuals affected with ALMS1-related conditions. ClinVar contains an entry for this variant (Variation ID: 550071). Algorithms developed to predict the effect of sequence changes on RNA splicing suggest that this variant may disrupt the consensus splice site. In summary, the available evidence is currently insufficient to determine the role of this variant in disease. Therefore, it has been classified as a Variant of Uncertain Significance.

Counsyl
Classification: Likely benign for Alstrom syndrome. Last evaluated: 2017-01-05. Review status: no assertion criteria provided. Collection method: clinical testing. Allele origin: unknown. Not counted in ClinVar's aggregate classification.